The following is an entry in ClinVar:

NM_006415.4(SPTLC1):c.661C>A (p.Leu221Ile)

Gene: SPTLC1 (serine palmitoyltransferase long chain base subunit 1; minus strand). Cytogenetic location: 9q22.31.
Variant type: single nucleotide variant.
Coding change: c.661C>A on transcript NM_006415.4 (MANE Select); coding-DNA position 661, C replaced by A.
Protein change: p.Leu221Ile; replaces leucine 221 with isoleucine.
Molecular consequence: missense variant.
Genome position (GRCh38, 1-based): chr9:92,059,208, G>T on the plus strand (C>A on the coding strand, the complement: SPTLC1 is on the minus strand). VCF-style: chr9-92059208-G-T. GRCh37 (hg19) VCF-style: chr9-94821490-G-T.
Other names: c.661C>A, p.Leu221Ile (NM_001281303.2); c.295C>A, p.Leu99Ile (NM_001368272.1); c.196C>A, p.Leu66Ile (NM_001368273.1); short protein forms L221I, L66I, L99I.
Identifiers: ClinVar variation 912333 (VCV000912333.22), dbSNP rs760231916, ClinGen allele CA5121483.

ClinVar aggregate classification (germline): Uncertain significance. Review status: criteria provided, multiple submitters, no conflicts (2 of 4 stars). 5 submissions from 5 submitters: Uncertain significance (5). Last evaluated 2026-06-09.

Conditions:
Hereditary sensory and autonomic neuropathy type 1 (HSAN1). Also called: HSN Type I; Hereditary Sensory Neuropathy Type I; HSAN 1. Identifiers: Orphanet 36386, MedGen C0020071, MONDO:0018213.
Neuropathy, hereditary sensory and autonomic, type 1A (HSAN1A). Also called: HSAN IA; HSN IA; NEUROPATHY, HEREDITARY SENSORY AND AUTONOMIC, TYPE IA; NEUROPATHY, HEREDITARY SENSORY RADICULAR, AUTOSOMAL DOMINANT, TYPE 1A; SPTLC1-Related Hereditary Sensory Neuropathy. Identifiers: MedGen C5235211, MONDO:0008086, OMIM 162400.
Inborn genetic diseases. Identifiers: MedGen C0950123, MeSH D030342.
SPTLC1-related disorder. Also called: SPTLC1-related condition.

Allele frequency attached by ClinVar (database versions not stated): gnomAD exomes 0.00003 and 0.00002; ExAC 0.00001; TOPMed 0.00002; gnomAD 0.00001.

Submissions (5):

PreventionGenetics, part of Exact Sciences
Classification: Uncertain significance for SPTLC1-related condition. Last evaluated: 2026-06-09. Review status: criteria provided, single submitter. Criteria: ACMG Guidelines, 2015. Collection method: clinical testing. Allele origin: germline.
Comment: The SPTLC1 c.661C>A variant is predicted to result in the amino acid substitution p.Leu221Ile. To our knowledge, this variant has not been reported in the literature. This variant is reported in 0.0035% of alleles in individuals of European (Non-Finnish) descent in gnomAD. At this time, the clinical significance of this variant is uncertain due to the absence of conclusive functional and genetic evidence.

Ambry Genetics
Classification: Uncertain significance for Inborn genetic diseases. Last evaluated: 2025-12-22. Review status: criteria provided, single submitter. Criteria: Ambry Variant Classification Scheme 2023. Collection method: clinical testing. Allele origin: germline.

Labcorp Genetics (formerly Invitae), Labcorp
Classification: Uncertain significance for Hereditary sensory and autonomic neuropathy type 1. Last evaluated: 2025-03-30. Review status: criteria provided, single submitter. Criteria: Invitae Variant Classification Sherloc (09022015). Collection method: clinical testing. Allele origin: germline.
Comment: This sequence change replaces leucine, which is neutral and non-polar, with isoleucine, which is neutral and non-polar, at codon 221 of the SPTLC1 protein (p.Leu221Ile). This variant is present in population databases (rs760231916, gnomAD 0.004%). This variant has not been reported in the literature in individuals affected with SPTLC1-related conditions. ClinVar contains an entry for this variant (Variation ID: 912333). Invitae Evidence Modeling of protein sequence and biophysical properties (such as structural, functional, and spatial information, amino acid conservation, physicochemical variation, residue mobility, and thermodynamic stability) indicates that this missense variant is not expected to disrupt SPTLC1 protein function with a negative predictive value of 80%. In summary, the available evidence is currently insufficient to determine the role of this variant in disease. Therefore, it has been classified as a Variant of Uncertain Significance.

ARUP Laboratories, Molecular Genetics and Genomics, ARUP Laboratories
Classification: Uncertain significance for Neuropathy, hereditary sensory and autonomic, type 1A. Last evaluated: 2021-04-17. Review status: criteria provided, single submitter. Criteria: ARUP Molecular Germline Variant Investigation Process 2021. Collection method: clinical testing. Allele origin: germline.
Comment: The SPTLC1 c.661C>A; p.Leu221Ile variant (rs760231916), to our knowledge, is not reported in the medical literature but is reported in ClinVar (Variation ID: 912333). This variant is found in the non-Finnish European population with an allele frequency of 0.0035% (4/113,438 alleles) in the Genome Aggregation Database. The leucine at codon 221 is highly conserved, and computational analyses predict that this variant is deleterious (REVEL: 0.747). However, given the lack of clinical and functional data, the significance of the p.Leu221Ile variant is uncertain at this time.

Illumina Laboratory Services, Illumina
Classification: Uncertain significance for Neuropathy, hereditary sensory and autonomic, type 1A. Last evaluated: 2018-01-13. Review status: criteria provided, single submitter. Criteria: ICSL Variant Classification Criteria 13 December 2019. Collection method: clinical testing. Allele origin: germline.